The following is an entry in ClinVar:

ClinVar aggregate classification (germline): Likely benign. Review status: criteria provided, multiple submitters, no conflicts (2 of 4 stars). 2 submissions from 2 submitters: Likely benign (2). Last evaluated 2025-08-01.

Conditions:
Hereditary cancer-predisposing syndrome. Also called: Hereditary neoplastic syndrome; Neoplastic Syndromes, Hereditary; Tumor predisposition; Hereditary Cancer Syndrome. Identifiers: Orphanet 140162, MedGen C0027672, MeSH D009386, MONDO:0015356.

Submissions (2):

CeGaT Center for Human Genetics Tuebingen
Classification: Likely benign. Last evaluated: 2025-08-01. Review status: criteria provided, single submitter. Criteria: CeGaT Center For Human Genetics Tuebingen Variant Classification Criteria Version 2. Collection method: clinical testing. Allele origin: germline. Affected: yes. Observed: 1 variant allele.
Comment: PHOX2B: PM2:Supporting, BP4, BP7

Ambry Genetics
Classification: Likely benign for Hereditary cancer-predisposing syndrome. Last evaluated: 2020-08-05. Review status: criteria provided, single submitter. Criteria: Ambry Variant Classification Scheme 2023. Collection method: clinical testing. Allele origin: germline.

NM_003924.4(PHOX2B):c.570T>C (p.Thr190=)

Gene: PHOX2B (paired like homeobox 2B; minus strand). Cytogenetic location: 4p13.
Variant type: single nucleotide variant.
Coding change: c.570T>C on transcript NM_003924.4 (MANE Select); coding-DNA position 570, T replaced by C.
Protein change: p.Thr190=; no amino-acid change (threonine 190 retained).
Molecular consequence: synonymous variant.
Genome position (GRCh38, 1-based): chr4:41,746,182, A>G on the plus strand (T>C on the coding strand, the complement: PHOX2B is on the minus strand). VCF-style: chr4-41746182-A-G. GRCh37 (hg19) VCF-style: chr4-41748199-A-G.
Identifiers: ClinVar variation 1749226 (VCV001749226.10), dbSNP rs2552096880, ClinGen allele CA439143198.